The following is an entry in ClinVar:

ClinVar aggregate classification (germline): Uncertain significance (1 of 4 stars; one submission).

Allele frequency attached by ClinVar (database versions not stated): gnomAD exomes below 0.00001; TOPMed 0.00001.

Submission:

Labcorp Genetics (formerly Invitae), Labcorp
Classification: Uncertain significance. Last evaluated: 2026-01-05. Review status: criteria provided, single submitter. Criteria: Invitae Variant Classification Sherloc (09022015). Collection method: clinical testing. Allele origin: germline.
Comment: This sequence change replaces methionine, which is neutral and non-polar, with valine, which is neutral and non-polar, at codon 179 of the DYM protein (p.Met179Val). This variant is not present in population databases (gnomAD no frequency). This variant has not been reported in the literature in individuals affected with DYM-related conditions. ClinVar contains an entry for this variant (Variation ID: 1407683). Invitae Evidence Modeling of protein sequence and biophysical properties (such as structural, functional, and spatial information, amino acid conservation, physicochemical variation, residue mobility, and thermodynamic stability) indicates that this missense variant is not expected to disrupt DYM protein function with a negative predictive value of 80%. In summary, the available evidence is currently insufficient to determine the role of this variant in disease. Therefore, it has been classified as a Variant of Uncertain Significance.

NM_001353214.3(DYM):c.535A>G (p.Met179Val)

Gene: DYM (dymeclin; minus strand). Cytogenetic location: 18q21.1.
Variant type: single nucleotide variant.
Coding change: c.535A>G on transcript NM_001353214.3 (MANE Select); coding-DNA position 535, A replaced by G.
Protein change: p.Met179Val; replaces methionine 179 with valine.
Molecular consequence: missense variant. On other transcripts: intron variant (6).
Genome position (GRCh38, 1-based): chr18:49,333,813, T>C on the plus strand (A>G on the coding strand, the complement: DYM is on the minus strand). VCF-style: chr18-49333813-T-C. GRCh37 (hg19) VCF-style: chr18-46860183-T-C.
Other names: c.535A>G, p.Met179Val (NM_001353210.3, NM_001353213.3, NM_001353215.3 and 10 more transcripts); c.532A>G, p.Met178Val (NM_001353211.3, NM_001353212.3, NM_001374429.1 and 1 more transcripts); c.307A>G, p.Met103Val (NM_001374440.1); c.194-47200A>G (NM_001374443.1); c.194-47197A>G (NM_001374444.1, NM_001374442.1, NM_001374441.1); c.495-1807A>G (NM_001374436.1, NM_001374432.1); short protein forms M178V, M103V, M179V.
Identifiers: ClinVar variation 1407683 (VCV001407683.7), dbSNP rs867458779, ClinGen allele CA300385716.